The following is an entry in ClinVar:

ClinVar aggregate classification (germline): Conflicting classifications of pathogenicity. Review status: criteria provided, conflicting classifications (1 of 4 stars). 2 submissions from 2 submitters: Uncertain significance (1); Likely benign (1). Last evaluated 2026-04-07.

Conditions:
Familial adenomatous polyposis 1 (FAP1). Also called: FAMILIAL ADENOMATOUS POLYPOSIS 1, ATTENUATED; POLYPOSIS, ADENOMATOUS INTESTINAL. Identifiers: MedGen C2713442, MONDO:0021056, OMIM 175100. Disease mechanism: loss of function.
APC-related disorder. Also called: APC-related condition.

Allele frequency attached by ClinVar (database versions not stated): gnomAD exomes below 0.00001.
gnomAD v4.1: 2 of 981,528 alleles (0.0002%); highest among the groups gnomAD compares: East Asian, 0.0039%; no homozygotes.

Submissions (2):

PreventionGenetics, part of Exact Sciences
Classification: Likely benign for APC-related condition. Last evaluated: 2026-04-07. Review status: criteria provided, single submitter. Criteria: ACMG Guidelines, 2015. Collection method: clinical testing. Allele origin: germline.
Comment: This variant is classified as likely benign based on ACMG/AMP sequence variant interpretation guidelines (Richards et al. 2015 PMID: 25741868, with internal and published modifications).

Labcorp Genetics (formerly Invitae), Labcorp
Classification: Uncertain significance for Familial adenomatous polyposis 1. Last evaluated: 2025-02-09. Review status: criteria provided, single submitter. Criteria: Invitae Variant Classification Sherloc (09022015). Collection method: clinical testing. Allele origin: germline.
Comment: This variant occurs in a non-coding region of the APC gene. It does not change the encoded amino acid sequence of the APC protein. This variant is not present in population databases (gnomAD no frequency). This variant has not been reported in the literature in individuals affected with APC-related conditions. Experimental studies and prediction algorithms are not available or were not evaluated, and the functional significance of this variant is currently unknown. In summary, the available evidence is currently insufficient to determine the role of this variant in disease. Therefore, it has been classified as a Variant of Uncertain Significance.

NM_001127511.3(APC):c.-129G>A

Gene: APC (APC regulator of Wnt signaling pathway; plus strand). Cytogenetic location: 5q22.2.
Variant type: single nucleotide variant.
Coding change: c.-129G>A on transcript NM_001127511.3; 129 bases upstream of the start codon, G replaced by A.
Molecular consequence: 5 prime UTR variant. On other transcripts: non-coding transcript variant (2).
Genome position (GRCh38, 1-based): chr5:112,707,589, G>A. VCF-style: chr5-112707589-G-A. GRCh37 (hg19) VCF-style: chr5-112043286-G-A.
Other names: c.-312G>A (NM_001354895.2, NM_001407447.1, NM_001407452.1 and 3 more transcripts); c.-129G>A (NM_001354897.2, NM_001354902.2, NM_001407446.1); c.-79G>A (NM_001407448.1, NM_001407450.1, NM_001407457.1 and 1 more transcripts); c.-103G>A (NM_001407453.1); c.-1347G>A (NM_001407470.1, NM_001407472.1).
Identifiers: ClinVar variation 1044924 (VCV001044924.8), dbSNP rs1750583768, ClinGen allele CA1573442498.